The following is an entry in ClinVar:

NM_000051.4(ATM):c.5918+2T>G

Genes: ATM (ATM serine/threonine kinase; plus strand), C11orf65 (chromosome 11 open reading frame 65; minus strand). Cytogenetic location: 11q22.3.
Variant type: single nucleotide variant.
Coding change: c.5918+2T>G on transcript NM_000051.4 (MANE Select); the canonical splice donor site of the intron after coding-DNA position 5918, T replaced by G.
Molecular consequence: splice donor variant. On other transcripts: intron variant (2).
Genome position (GRCh38, 1-based): chr11:108,310,317, T>G. VCF-style: chr11-108310317-T-G. GRCh37 (hg19) VCF-style: chr11-108181044-T-G.
Other names: c.5918+2T>G (NM_001351834.2); c.641-1246A>C (NM_001330368.2); c.*39-1246A>C (NM_001351110.2).
Identifiers: ClinVar variation 3148042 (VCV003148042.1), dbSNP rs2547030807, ClinGen allele CA382548619.

ClinVar aggregate classification (germline): Likely pathogenic (1 of 4 stars; one submission).

Conditions:
Familial cancer of breast. Also called: hereditary breast carcinoma; BREAST CANCER, FAMILIAL; Hereditary breast cancer. Identifiers: Orphanet 227535, MedGen C0346153, MONDO:0016419, OMIM 114480. Disease mechanism: loss of function.

Submission:

Myriad Genetics, Inc.
Classification: Likely pathogenic for Familial cancer of breast. Last evaluated: 2024-01-26. Review status: criteria provided, single submitter. Criteria: Myriad Autosomal Dominant, Autosomal Recessive and X-Linked Classification Criteria (2023). Collection method: clinical testing. Allele origin: unknown.
Comment: This variant is considered likely pathogenic. This variant occurs within a consensus splice junction and is predicted to result in abnormal mRNA splicing of either an out-of-frame exon or an in-frame exon necessary for protein stability and/or normal function.